The following is an entry in ClinVar:

NM_000199.5(SGSH):c.323_331del (p.Pro108_Leu110del)

Gene: SGSH (N-sulfoglucosamine sulfohydrolase; minus strand). Cytogenetic location: 17q25.3.
Variant type: Deletion.
Coding change: c.323_331del on transcript NM_000199.5 (MANE Select); coding-DNA positions 323 to 331, 9 bases deleted (CGCTGCTGC; older notation c.323_331delCGCTGCTGC).
Protein change: p.Pro108_Leu110del.
Molecular consequence: inframe deletion.
Genome position (GRCh38, 1-based): chr17:80,215,057-80,215,065, GCAGCAGCG deleted on the plus strand (CGCTGCTGC on the coding strand, the reverse complement: SGSH is on the minus strand); deleting any 9 consecutive bases within chr17:80,215,057-80,215,069 gives the same sequence; the c. name uses the placement nearest the transcript's 3' end. VCF-style (leftmost placement, unchanged base first): chr17-80215056-AGCAGCAGCG-A. GRCh37 (hg19) VCF-style: chr17-78188855-AGCAGCAGCG-A.
Other names: c.323_331del, p.Pro108_Leu110del (NM_001352921.3, NM_001352922.2).
Identifiers: ClinVar variation 2095946 (VCV002095946.4), dbSNP rs1403643802, ClinGen allele CA502203867.

ClinVar aggregate classification (germline): Uncertain significance (1 of 4 stars; one submission).

Conditions:
Mucopolysaccharidosis, MPS-III-A (MPS3A). Also called: HEPARAN SULFATE SULFATASE DEFICIENCY; SANFILIPPO SYNDROME A; SULFAMIDASE DEFICIENCY; MPS III A; Mucopolysaccharidosis, type IIIA; MUCOPOLYSACCHARIDOSIS, TYPE IIIA, ATTENUATED. Identifiers: Orphanet 581, Orphanet 79269, MedGen C0086647, MONDO:0009655, OMIM 252900.

Submission:

Labcorp Genetics (formerly Invitae), Labcorp
Classification: Uncertain significance for Mucopolysaccharidosis, MPS-III-A. Last evaluated: 2022-02-10. Review status: criteria provided, single submitter. Criteria: Invitae Variant Classification Sherloc (09022015). Collection method: clinical testing. Allele origin: germline.
Comment: In summary, the available evidence is currently insufficient to determine the role of this variant in disease. Therefore, it has been classified as a Variant of Uncertain Significance. Experimental studies and prediction algorithms are not available or were not evaluated, and the functional significance of this variant is currently unknown. This variant is not present in population databases (gnomAD no frequency). This variant, c.323_331del, results in the deletion of 3 amino acid(s) of the SGSH protein (p.Pro108_Leu110del), but otherwise preserves the integrity of the reading frame. This variant has not been reported in the literature in individuals affected with SGSH-related conditions.